The following is an entry in ClinVar:

ClinVar aggregate classification (germline): Benign (0 of 4 stars; one submission).

Conditions:
TRIM55-related disorder. Also called: TRIM55-related condition.

Allele frequency attached by ClinVar (database versions not stated): gnomAD exomes 0.09820; ExAC 0.14103; 1000 Genomes Project 0.21346; 1000 Genomes Project 30x 0.22064; gnomAD 0.23246; TOPMed 0.24711; ESP Exome Variant Server 0.26126.
gnomAD v4.1: 179,174 of 1,611,220 alleles (11%); highest among the groups gnomAD compares: African/African-American, 60%; 20,390 homozygotes.

Submission:

PreventionGenetics, part of Exact Sciences
Classification: Benign for TRIM55-related condition. Last evaluated: 2019-11-25. Review status: no assertion criteria provided. Collection method: clinical testing. Allele origin: germline.
Comment: This variant is classified as benign based on ACMG/AMP sequence variant interpretation guidelines (Richards et al. 2015 PMID: 25741868, with internal and published modifications).

NM_184085.2(TRIM55):c.1028A>G (p.Lys343Arg)

Gene: TRIM55 (tripartite motif containing 55; plus strand). Cytogenetic location: 8q13.1.
Variant type: single nucleotide variant.
Coding change: c.1028A>G on transcript NM_184085.2 (MANE Select); coding-DNA position 1028, A replaced by G.
Protein change: p.Lys343Arg; replaces lysine 343 with arginine.
Molecular consequence: missense variant. On other transcripts: intron variant (1).
Genome position (GRCh38, 1-based): chr8:66,152,419, A>G. VCF-style: chr8-66152419-A-G. GRCh37 (hg19) VCF-style: chr8-67064654-A-G.
Other names: c.1028A>G, p.Lys343Arg (NM_033058.3, NM_184086.2); c.603+15229A>G (NM_184087.2); short protein forms K343R.
Identifiers: ClinVar variation 3059531 (VCV003059531.2), dbSNP rs7843605, ClinGen allele CA4765875.
Genomic context (GRCh38, chr8:66,152,419, plus strand): 5'-GATACCTTACCTTACCAGAAGATGAAGATGAAGAAGAAGAAGAAGGCGGAGAAGGAGAAA[A>G]AGAAGGAGAAGGAGAAGTGGGAGGAGAAGCAGTAGAAGTGGAAGAGGTAGAAAATGTTCA-3'
Protein context (NP_908973.1, residues 333-353): EEEEEGGEGE[Lys343Arg]EGEGEVGGEA